The following is an entry in ClinVar:

NM_198525.3(KIF7):c.2043T>A (p.Val681=)

Gene: KIF7 (kinesin family member 7; minus strand). Cytogenetic location: 15q26.1.
Variant type: single nucleotide variant.
Coding change: c.2043T>A on transcript NM_198525.3 (MANE Select); coding-DNA position 2043, T replaced by A.
Protein change: p.Val681=; no amino-acid change (valine 681 retained).
Molecular consequence: synonymous variant.
Genome position (GRCh38, 1-based): chr15:89,645,161, A>T on the plus strand (T>A on the coding strand, the complement: KIF7 is on the minus strand). VCF-style: chr15-89645161-A-T. GRCh37 (hg19) VCF-style: chr15-90188392-A-T.
Other names: p.V681V:GTT>GTA.
Identifiers: ClinVar variation 129409 (VCV000129409.27), dbSNP rs72750755, ClinGen allele CA020249.

ClinVar aggregate classification (germline): Benign/Likely benign. Review status: criteria provided, multiple submitters, no conflicts (2 of 4 stars). 11 submissions from 11 submitters: Benign (4); Likely benign (2). 5 of the submissions do not count toward it. Last evaluated 2026-02-04.

Conditions:
Acrocallosal syndrome (ACLS). Also called: Schinzel syndrome 1; Absence of corpus callosum with unusual facial appearance, mental deficiency, duplication of the halluces and polydactyly; HALLUX DUPLICATION, POSTAXIAL POLYDACTYLY, AND ABSENCE OF CORPUS CALLOSUM. Identifiers: Orphanet 36, MedGen C0796147, MONDO:0008708, OMIM 200990.

Allele frequency attached by ClinVar (database versions not stated): 1000 Genomes Project 0.01797; 1000 Genomes Project 30x 0.01796; gnomAD 0.02930 and 0.02861; ExAC 0.03631; gnomAD exomes 0.04007 and 0.03503; TOPMed 0.02686; ESP Exome Variant Server 0.03054.
gnomAD v4.1: 62,401 of 1,604,452 alleles (3.9%); highest among the groups gnomAD compares: South Asian, 6.3%; 1,447 homozygotes.

Submissions (29):

Labcorp Genetics (formerly Invitae), Labcorp
Classification: Benign for Acrocallosal syndrome. Last evaluated: 2026-02-04. Review status: criteria provided, single submitter. Criteria: Invitae Variant Classification Sherloc (09022015). Collection method: clinical testing. Allele origin: germline.

Blueprint Genetics
Classification: Benign. Last evaluated: 2024-11-28. Review status: criteria provided, single submitter. Criteria: ACMG Guidelines, 2015. Collection method: clinical testing. Allele origin: germline.

Illumina Laboratory Services, Illumina
Classification: Likely benign for Acrocallosal syndrome. Last evaluated: 2017-04-27. Review status: criteria provided, single submitter. Criteria: ICSL Variant Classification Criteria 13 December 2019. Collection method: clinical testing. Allele origin: germline.
Comment: This variant was observed as part of a predisposition screen in an ostensibly healthy population. A literature search was performed for the gene, cDNA change, and amino acid change (where applicable). No publications were found based on this search. Allele frequency data from public databases allowed determination this variant is unlikely to cause disease. Therefore, this variant is classified as likely benign.

GeneDx
Classification: Benign. Last evaluated: 2014-03-21. Review status: criteria provided, single submitter. Criteria: GeneDx Variant Classification (06012015). Collection method: clinical testing. Allele origin: germline. Affected: yes.
Comment: This variant is considered likely benign or benign based on one or more of the following criteria: it is a conservative change, it occurs at a poorly conserved position in the protein, it is predicted to be benign by multiple in silico algorithms, and/or has population frequency not consistent with disease.

Breakthrough Genomics
Classification: Likely benign. Review status: criteria provided, single submitter. Criteria: ACMG Guidelines, 2015. Collection method: not provided. Allele origin: germline. Inheritance: Autosomal recessive inheritance. Affected: yes.

PreventionGenetics, part of Exact Sciences
Classification: Benign. Review status: criteria provided, single submitter. Criteria: ACMG Guidelines, 2015. Collection method: clinical testing. Allele origin: germline.

Clinical Genetics DNA and cytogenetics Diagnostics Lab, Erasmus MC, Erasmus Medical Center
Classification: Benign. Review status: no assertion criteria provided. Collection method: clinical testing. Allele origin: germline. Affected: yes. Study: VKGL Data-share Consensus. Not counted in ClinVar's aggregate classification.

Clinical Genetics, Academic Medical Center
Classification: Benign. Review status: no assertion criteria provided. Collection method: clinical testing. Allele origin: germline. Affected: yes. Study: VKGL Data-share Consensus. Not counted in ClinVar's aggregate classification.

Dr. Peter K. Rogan Lab, Western University
No classification provided (evidence only). Condition: Acute myeloid leukemia. Review status: no classification provided. Collection method: in vitro. Allele origin: not applicable. Functional consequence: retained intron. Not counted in ClinVar's aggregate classification.

Dr. Peter K. Rogan Lab, Western University
No classification provided (evidence only). Condition: Acute myeloid leukemia. Review status: no classification provided. Collection method: in vitro. Allele origin: not applicable. Functional consequence: retained intron. Not counted in ClinVar's aggregate classification.

Dr. Peter K. Rogan Lab, Western University
No classification provided (evidence only). Condition: Acute myeloid leukemia. Review status: no classification provided. Collection method: in vitro. Allele origin: not applicable. Functional consequence: retained intron. Not counted in ClinVar's aggregate classification.

Dr. Peter K. Rogan Lab, Western University
No classification provided (evidence only). Condition: Acute myeloid leukemia. Review status: no classification provided. Collection method: in vitro. Allele origin: not applicable. Functional consequence: retained intron. Not counted in ClinVar's aggregate classification.

Dr. Peter K. Rogan Lab, Western University
No classification provided (evidence only). Condition: Acute myeloid leukemia. Review status: no classification provided. Collection method: in vitro. Allele origin: not applicable. Functional consequence: retained intron. Not counted in ClinVar's aggregate classification.

Dr. Peter K. Rogan Lab, Western University
No classification provided (evidence only). Condition: Colon adenocarcinoma. Review status: no classification provided. Collection method: in vitro. Allele origin: not applicable. Functional consequence: retained intron. Not counted in ClinVar's aggregate classification.

Dr. Peter K. Rogan Lab, Western University
No classification provided (evidence only). Condition: Colon adenocarcinoma. Review status: no classification provided. Collection method: in vitro. Allele origin: not applicable. Functional consequence: retained intron. Not counted in ClinVar's aggregate classification.

Dr. Peter K. Rogan Lab, Western University
No classification provided (evidence only). Condition: Colorectal cancer. Review status: no classification provided. Collection method: in vitro. Allele origin: not applicable. Functional consequence: retained intron. Not counted in ClinVar's aggregate classification.

Dr. Peter K. Rogan Lab, Western University
No classification provided (evidence only). Condition: Uterine corpus endometrial carcinoma. Review status: no classification provided. Collection method: in vitro. Allele origin: not applicable. Functional consequence: retained intron. Not counted in ClinVar's aggregate classification.

Dr. Peter K. Rogan Lab, Western University
No classification provided (evidence only). Condition: Sarcoma. Review status: no classification provided. Collection method: in vitro. Allele origin: not applicable. Functional consequence: retained intron. Not counted in ClinVar's aggregate classification.

Dr. Peter K. Rogan Lab, Western University
No classification provided (evidence only). Condition: Hepatocellular carcinoma. Review status: no classification provided. Collection method: in vitro. Allele origin: not applicable. Functional consequence: retained intron. Not counted in ClinVar's aggregate classification.

Dr. Peter K. Rogan Lab, Western University
No classification provided (evidence only). Condition: Hepatocellular carcinoma. Review status: no classification provided. Collection method: in vitro. Allele origin: not applicable. Functional consequence: retained intron. Not counted in ClinVar's aggregate classification.

Dr. Peter K. Rogan Lab, Western University
No classification provided (evidence only). Condition: Hepatocellular carcinoma. Review status: no classification provided. Collection method: in vitro. Allele origin: not applicable. Functional consequence: retained intron. Not counted in ClinVar's aggregate classification.

Dr. Peter K. Rogan Lab, Western University
No classification provided (evidence only). Condition: Hepatocellular carcinoma. Review status: no classification provided. Collection method: in vitro. Allele origin: not applicable. Functional consequence: retained intron. Not counted in ClinVar's aggregate classification.

Dr. Peter K. Rogan Lab, Western University
No classification provided (evidence only). Condition: Thymoma. Review status: no classification provided. Collection method: in vitro. Allele origin: not applicable. Functional consequence: retained intron. Not counted in ClinVar's aggregate classification.

Dr. Peter K. Rogan Lab, Western University
No classification provided (evidence only). Condition: Thymoma. Review status: no classification provided. Collection method: in vitro. Allele origin: not applicable. Functional consequence: retained intron. Not counted in ClinVar's aggregate classification.

Dr. Peter K. Rogan Lab, Western University
No classification provided (evidence only). Condition: Uterine carcinosarcoma. Review status: no classification provided. Collection method: in vitro. Allele origin: not applicable. Functional consequence: retained intron. Not counted in ClinVar's aggregate classification.

Dr. Peter K. Rogan Lab, Western University
No classification provided (evidence only). Condition: Uterine carcinosarcoma. Review status: no classification provided. Collection method: in vitro. Allele origin: not applicable. Functional consequence: retained intron. Not counted in ClinVar's aggregate classification.

Genetic Services Laboratory, University of Chicago
Classification: Likely benign for AllHighlyPenetrant. Review status: no assertion criteria provided. Collection method: clinical testing. Allele origin: germline. Inheritance: Autosomal recessive inheritance. Not counted in ClinVar's aggregate classification.
Comment: Likely benign based on allele frequency in 1000 Genomes Project or ESP global frequency and its presence in a patient with a rare or unrelated disease phenotype. NOT Sanger confirmed.

Genome Diagnostics Laboratory, University Medical Center Utrecht
Classification: Benign. Review status: no assertion criteria provided. Collection method: clinical testing. Allele origin: germline. Affected: yes. Study: VKGL Data-share Consensus. Not counted in ClinVar's aggregate classification.

Joint Genome Diagnostic Labs from Nijmegen and Maastricht, Radboudumc and MUMC+
Classification: Benign. Review status: no assertion criteria provided. Collection method: clinical testing. Allele origin: germline. Affected: yes. Study: VKGL Data-share Consensus. Not counted in ClinVar's aggregate classification.